The following is an entry in ClinVar:

ClinVar aggregate classification (germline): Conflicting classifications of pathogenicity. Review status: criteria provided, conflicting classifications (1 of 4 stars). 10 submissions from 10 submitters: Uncertain significance (8); Benign (1); Likely benign (1). Last evaluated 2025-01-27.

Conditions:
Pancreatic cancer, susceptibility to, 3. Identifiers: Orphanet 1333, MedGen C3150547, MONDO:0013236, OMIM 613348.
Breast-ovarian cancer, familial, susceptibility to, 5 (BROVCA5). Identifiers: MedGen C5830615, MONDO:0957530, OMIM 620442.
Fanconi anemia complementation group N. Also called: PALB2-Related Fanconi Anemia. Identifiers: Orphanet 84, MedGen C1835817, MONDO:0012565, OMIM 610832. Disease mechanism: loss of function.
Hereditary cancer-predisposing syndrome. Also called: Tumor predisposition; Hereditary Cancer Syndrome; Neoplastic Syndromes, Hereditary; Hereditary neoplastic syndrome. Identifiers: Orphanet 140162, MedGen C0027672, MeSH D009386, MONDO:0015356.
Familial cancer of breast. Also called: Hereditary breast cancer; BREAST CANCER, FAMILIAL; hereditary breast carcinoma. Identifiers: Orphanet 227535, MedGen C0346153, MONDO:0016419, OMIM 114480. Disease mechanism: loss of function.

Allele frequency attached by ClinVar (database versions not stated): gnomAD exomes below 0.00001; gnomAD 0.00001; TOPMed 0.00002.

Submissions (10):

Labcorp Genetics (formerly Invitae), Labcorp
Classification: Uncertain significance for Familial cancer of breast. Last evaluated: 2025-01-27. Review status: criteria provided, single submitter. Criteria: Invitae Variant Classification Sherloc (09022015). Collection method: clinical testing. Allele origin: germline.
Comment: This sequence change replaces isoleucine, which is neutral and non-polar, with valine, which is neutral and non-polar, at codon 1180 of the PALB2 protein (p.Ile1180Val). This variant is present in population databases (no rsID available, gnomAD 0.0009%). This variant has not been reported in the literature in individuals affected with PALB2-related conditions. ClinVar contains an entry for this variant (Variation ID: 216757). An algorithm developed to predict the effect of missense changes on protein structure and function outputs the following: PolyPhen-2: "Benign". The valine amino acid residue is found in multiple mammalian species, which suggests that this missense change does not adversely affect protein function. In summary, the available evidence is currently insufficient to determine the role of this variant in disease. Therefore, it has been classified as a Variant of Uncertain Significance.

Myriad Genetics, Inc.
Classification: Benign for Familial cancer of breast. Last evaluated: 2025-01-22. Review status: criteria provided, single submitter. Criteria: Myriad Autosomal Dominant, Autosomal Recessive and X-Linked Classification Criteria (2023). Collection method: clinical testing. Allele origin: unknown.
Comment: This variant is considered benign. This variant has been observed in trans with a known pathogenic variant in one or more individuals lacking clinical features consistent with gene-specific recessive disease. This variant is strongly associated with less severe personal and family histories of cancer, typical for individuals without pathogenic variants in this gene [PMID: 25085752].

Ambry Genetics
Classification: Likely benign for Hereditary cancer-predisposing syndrome. Last evaluated: 2024-10-25. Review status: criteria provided, single submitter. Criteria: Ambry Variant Classification Scheme 2023. Collection method: clinical testing. Allele origin: germline.

Department of Pathology and Laboratory Medicine, Sinai Health System
Classification: Uncertain significance for Fanconi anemia complementation group N; Pancreatic cancer, susceptibility to, 3; Breast-ovarian cancer, familial, susceptibility to, 5. Last evaluated: 2024-10-02. Review status: criteria provided, single submitter. Criteria: ACMG Guidelines, 2015. Collection method: clinical testing. Allele origin: germline.

Color Diagnostics, LLC DBA Color Health
Classification: Uncertain significance for Hereditary cancer-predisposing syndrome. Last evaluated: 2024-06-01. Review status: criteria provided, single submitter. Criteria: ACMG Guidelines, 2015. Collection method: clinical testing. Allele origin: germline.
Comment: This missense variant replaces isoleucine with valine at codon 1180 of the PALB2 protein. Computational prediction suggests that this variant may not impact protein structure and function. To our knowledge, functional studies have not been reported for this variant. This variant has not been reported in individuals affected with PALB2-related disorders in the literature. This variant has been identified in 1/251456 chromosomes in the general population by the Genome Aggregation Database (gnomAD). The available evidence is insufficient to determine the role of this variant in disease conclusively. Therefore, this variant is classified as a Variant of Uncertain Significance.

Baylor Genetics
Classification: Uncertain significance for Familial cancer of breast. Last evaluated: 2023-12-14. Review status: criteria provided, single submitter. Criteria: ACMG Guidelines, 2015. Collection method: clinical testing. Allele origin: unknown.

Sema4
Classification: Uncertain significance for Hereditary cancer-predisposing syndrome. Last evaluated: 2022-03-10. Review status: criteria provided, single submitter. Criteria: Sema4 Curation Guidelines. Collection method: curation. Allele origin: germline.
Comment: The PALB2 c.3538A>G (p.I1180V) variant has not been reported in the literature to our knowledge. This variant was observed in 1/113748 chromosomes in the Non-Finnish European population according to the Genome Aggregation Database (PMID: 32461654). The variant has been reported in ClinVar (Variation ID: 216757). In silico tools suggest the impact of the variant on protein function is benign, though these predictions have not been confirmed by functional studies. The evidence is insufficient to meet ACMG/AMP criteria for classifying the variant as benign or pathogenic. Thus, the clinical significance of this variant is currently uncertain.

Fulgent Genetics
Classification: Uncertain significance for Familial cancer of breast; Fanconi anemia complementation group N; Pancreatic cancer, susceptibility to, 3. Last evaluated: 2022-01-28. Review status: criteria provided, single submitter. Criteria: ACMG Guidelines, 2015. Collection method: clinical testing. Allele origin: unknown.

GeneDx
Classification: Uncertain significance. Last evaluated: 2021-12-14. Review status: criteria provided, single submitter. Criteria: GeneDx Variant Classification Process June 2021. Collection method: clinical testing. Allele origin: germline. Affected: yes.
Comment: Not observed at significant frequency in large population cohorts (Lek 2016); In silico analysis supports that this missense variant does not alter protein structure/function; Has not been previously published as pathogenic or benign to our knowledge; This variant is associated with the following publications: (PMID: 24485656, 19609323, 20871615)

Women's Health and Genetics/Laboratory Corporation of America, LabCorp
Classification: Uncertain significance. Last evaluated: 2020-07-10. Review status: criteria provided, single submitter. Criteria: LabCorp Variant Classification Summary - May 2015. Collection method: clinical testing. Allele origin: germline.
Comment: Variant summary: PALB2 c.3538A>G (p.Ile1180Val) results in a conservative amino acid change located in the Partner and localiser of BRCA2, WD40 domain (IPR031920) of the encoded protein sequence. Five of five in-silico tools predict a benign effect of the variant on protein function. The variant allele was found at a frequency of 4e-06 in 251456 control chromosomes (gnomAD). The available data on variant occurrences in the general population are insufficient to allow any conclusion about variant significance. To our knowledge, no occurrence of c.3538A>G in individuals affected with Breast Cancer and no experimental evidence demonstrating its impact on protein function have been reported. Four ClinVar submitters (evaluation after 2014) cite the variant as uncertain significance. Based on the evidence outlined above, the variant was classified as uncertain significance.

Literature cited by the submitters: PubMed 25085752 (cited by Myriad Genetics, Inc.).

NM_024675.4(PALB2):c.3538A>G (p.Ile1180Val)

Gene: PALB2 (partner and localizer of BRCA2; minus strand). Cytogenetic location: 16p12.2.
Variant type: single nucleotide variant.
Coding change: c.3538A>G on transcript NM_024675.4 (MANE Select); coding-DNA position 3538, A replaced by G.
Protein change: p.Ile1180Val; replaces isoleucine 1180 with valine.
Molecular consequence: missense variant.
Genome position (GRCh38, 1-based): chr16:23,603,482, T>C on the plus strand (A>G on the coding strand, the complement: PALB2 is on the minus strand). VCF-style: chr16-23603482-T-C. GRCh37 (hg19) VCF-style: chr16-23614803-T-C.
Other names: short protein forms I1180V.
Identifiers: ClinVar variation 216757 (VCV000216757.27), dbSNP rs863224788, ClinGen allele CA335883.